The following is an entry in ClinVar:

ClinVar aggregate classification (germline): Pathogenic (1 of 4 stars; one submission).

Conditions:
Mitochondrial DNA depletion syndrome 1. Also called: POLIP SYNDROME; POLYNEUROPATHY, OPHTHALMOPLEGIA, LEUKOENCEPHALOPATHY, AND INTESTINAL PSEUDOOBSTRUCTION; Mitochondrial Neurogastrointestinal Encephalopathy Disease; MITOCHONDRIAL NEUROGASTROINTESTINAL ENCEPHALOPATHY SYNDROME, TYMP-RELATED; MNGIE, TYMP-RELATED; Mitochondrial neurogastrointestinal encephalomyopathy syndrome. Identifiers: Orphanet 298, MedGen C4551995, MONDO:0011283, OMIM 603041.

Submission:

Myriad Genetics, Inc.
Classification: Pathogenic for Mitochondrial DNA depletion syndrome 1. Last evaluated: 2026-03-19. Review status: criteria provided, single submitter. Criteria: Myriad Autosomal Dominant, Autosomal Recessive and X-Linked Classification Criteria (2023). Collection method: clinical testing. Allele origin: unknown.
Comment: NM_001953.4(TYMP):c.184_196del13(V62Rfs*10) is expected to be pathogenic in the context of mitochondrial neurogastrointestinal encephalopathy disease. This variant is predicted to lead to an abnormal or absent protein product due to the creation of a premature termination codon in TYMP, a gene where loss-of-function variants are known to be pathogenic. Please note: this variant was assessed in the context of healthy population screening.

NM_001953.5(TYMP):c.184_196del (p.Val62fs)

Gene: TYMP (thymidine phosphorylase; minus strand). Cytogenetic location: 22q13.33.
Variant type: Deletion.
Coding change: c.184_196del on transcript NM_001953.5 (MANE Select); coding-DNA positions 184 to 196, 13 bases deleted (GTGAATGGGAGCG).
Protein change: p.Val62fs; shifts the reading frame from valine 62.
Molecular consequence: frameshift variant.
Genome position (GRCh38, 1-based): chr22:50,529,514-50,529,526, CGCTCCCATTCAC deleted on the plus strand (GTGAATGGGAGCG on the coding strand, the reverse complement: TYMP is on the minus strand); deleting any 13 consecutive bases within chr22:50,529,514-50,529,527 gives the same sequence; the c. name uses the placement nearest the transcript's 3' end. VCF-style (leftmost placement, unchanged base first): chr22-50529513-GCGCTCCCATTCAC-G. GRCh37 (hg19) VCF-style: chr22-50967942-GCGCTCCCATTCAC-G.
Other names: c.184_196del, p.Val62fs (NM_001113755.3, NM_001113756.3, NM_001257988.1 and 1 more transcripts); short protein forms V62fs.
Identifiers: ClinVar variation 5015680 (VCV005015680.1).